The following is an entry in ClinVar:

NM_144975.4(SLFN5):c.1446C>T (p.Gly482=)

Gene: SLFN5 (schlafen family member 5; plus strand). Cytogenetic location: 17q12.
Variant type: single nucleotide variant.
Coding change: c.1446C>T on transcript NM_144975.4 (MANE Select); coding-DNA position 1446, C replaced by T.
Protein change: p.Gly482=; no amino-acid change (glycine 482 retained).
Molecular consequence: synonymous variant. On other transcripts: intron variant (1).
Genome position (GRCh38, 1-based): chr17:35,264,490, C>T. VCF-style: chr17-35264490-C-T. GRCh37 (hg19) VCF-style: chr17-33591509-C-T.
Other names: NC_000017.10:g.33591509C>T; c.1139-582C>T (NM_001330183.2).
Identifiers: ClinVar variation 2647666 (VCV002647666.25), dbSNP rs141681707, ClinGen allele CA8502232.

ClinVar aggregate classification (germline): Likely benign (1 of 4 stars; one submission).

Allele frequency attached by ClinVar (database versions not stated): 1000 Genomes Project 0.00200; 1000 Genomes Project 30x 0.00203; gnomAD 0.00290; ExAC 0.00299; TOPMed 0.00329; ESP Exome Variant Server 0.00438.
gnomAD v4.1: 7,269 of 1,614,074 alleles (0.45%); highest among the groups gnomAD compares: Non-Finnish European, 0.55%; 29 homozygotes.

Submissions (8):

CeGaT Center for Human Genetics Tuebingen
Classification: Likely benign. Last evaluated: 2023-01-01. Review status: criteria provided, single submitter. Criteria: CeGaT Center For Human Genetics Tuebingen Variant Classification Criteria Version 2. Collection method: clinical testing. Allele origin: germline. Affected: yes. Observed: 1 variant allele.
Comment: SLFN5: BP4, BP7, BS2

Dr. Peter K. Rogan Lab, Western University
No classification provided (evidence only). Condition: Clear cell carcinoma of kidney. Review status: no classification provided. Collection method: in vitro. Allele origin: not applicable. Functional consequence: skipped exon. Not counted in ClinVar's aggregate classification.

Dr. Peter K. Rogan Lab, Western University
No classification provided (evidence only). Condition: Clear cell carcinoma of kidney. Review status: no classification provided. Collection method: in vitro. Allele origin: not applicable. Functional consequence: skipped exon. Not counted in ClinVar's aggregate classification.

Dr. Peter K. Rogan Lab, Western University
No classification provided (evidence only). Condition: Lung cancer. Review status: no classification provided. Collection method: in vitro. Allele origin: not applicable. Functional consequence: skipped exon. Not counted in ClinVar's aggregate classification.

Dr. Peter K. Rogan Lab, Western University
No classification provided (evidence only). Condition: Familial cancer of breast. Review status: no classification provided. Collection method: in vitro. Allele origin: not applicable. Functional consequence: retained intron. Not counted in ClinVar's aggregate classification.

Dr. Peter K. Rogan Lab, Western University
No classification provided (evidence only). Condition: Thyroid cancer, nonmedullary, 1. Review status: no classification provided. Collection method: in vitro. Allele origin: not applicable. Functional consequence: skipped exon. Not counted in ClinVar's aggregate classification.

Dr. Peter K. Rogan Lab, Western University
No classification provided (evidence only). Condition: Cervical cancer. Review status: no classification provided. Collection method: in vitro. Allele origin: not applicable. Functional consequence: skipped exon. Not counted in ClinVar's aggregate classification.

Dr. Peter K. Rogan Lab, Western University
No classification provided (evidence only). Condition: Sarcoma. Review status: no classification provided. Collection method: in vitro. Allele origin: not applicable. Functional consequence: skipped exon, retained intron. Not counted in ClinVar's aggregate classification.